The following is an entry in ClinVar:

ClinVar aggregate classification (germline): Pathogenic (1 of 4 stars; one submission).

Conditions:
Glycogen storage disease IV, classic hepatic. Also called: GSD IV, CLASSIC HEPATIC. Identifiers: MedGen C1856301.
Glycogen storage disease, type IV (GSD4). Also called: AMYLOPECTINOSIS; ANDERSEN DISEASE; BRANCHER DEFICIENCY; CIRRHOSIS, FAMILIAL, WITH DEPOSITION OF ABNORMAL GLYCOGEN; Glycogen storage disease due to glycogen branching enzyme deficiency; GBE1 DEFICIENCY. Identifiers: Orphanet 367, MedGen C0017923, MONDO:0009292, OMIM 232500.

Submission:

Labcorp Genetics (formerly Invitae), Labcorp
Classification: Pathogenic for Glycogen storage disease, type IV; Glycogen storage disease IV, classic hepatic. Last evaluated: 2021-01-29. Review status: criteria provided, single submitter. Criteria: Invitae Variant Classification Sherloc (09022015). Collection method: clinical testing. Allele origin: germline.
Comment: This sequence change creates a premature translational stop signal (p.Lys50Serfs*7) in the GBE1 gene. It is expected to result in an absent or disrupted protein product. Loss-of-function variants in GBE1 are known to be pathogenic (PMID: 15452297, 20058079). This variant is not present in population databases (ExAC no frequency). This variant has not been reported in the literature in individuals with GBE1-related conditions. For these reasons, this variant has been classified as Pathogenic.

Literature cited by the submitters: PubMed 15452297; PubMed 20058079.

NM_000158.4(GBE1):c.149del (p.Lys50fs)

Gene: GBE1 (1,4-alpha-glucan branching enzyme 1; minus strand). Cytogenetic location: 3p12.2.
Variant type: Deletion.
Coding change: c.149del on transcript NM_000158.4 (MANE Select); coding-DNA position 149, one base deleted (A; older notation c.149delA).
Protein change: p.Lys50fs; shifts the reading frame from lysine 50.
Molecular consequence: frameshift variant.
Genome position (GRCh38, 1-based): chr3:81,705,608, T deleted on the plus strand (A on the coding strand, the reverse complement: GBE1 is on the minus strand); the first of 2 consecutive T bases (chr3:81,705,608-81,705,609); deleting either gives the same sequence. VCF-style (leftmost placement, unchanged base first): chr3-81705607-CT-C. GRCh37 (hg19) VCF-style: chr3-81754758-CT-C.
Other names: short protein forms K50fs.
Identifiers: ClinVar variation 1430861 (VCV001430861.6), dbSNP rs2107169014, ClinGen allele CA2573137468.
Genomic context (GRCh38, chr3:81,705,607, plus strand): 5'-GGAAAACTTATCAATACCACCTTCATTTTCTCCAATGTTCTTCAAAATTTGGCTAAACTG[CT>C]TATACCTTTGAAGAAGTATGAAAGAAAATGAGTTAGAAAATTAAATAGTCTTCTAGAAAA-3'